The following is an entry in ClinVar:

ClinVar aggregate classification (germline): Uncertain significance (1 of 4 stars; one submission).

Conditions:
Intellectual developmental disorder, autosomal dominant 6, with or without seizures. Also called: Intellectual disability, autosomal dominant 6; GRIN2B-related developmental delay, intellectual disability and autism spectrum disorder. Identifiers: Orphanet 589547, MedGen C3151411, MONDO:0013509, OMIM 613970.
Developmental and epileptic encephalopathy, 27 (DEE27). Also called: Epileptic encephalopathy, early infantile, 27; GRIN2B-Related Neurodevelopmental Disorder. Identifiers: Orphanet 3451, MedGen C4015316, MONDO:0014505, OMIM 616139.

Allele frequency attached by ClinVar (database versions not stated): gnomAD exomes 0.00002 and 0.00001.
gnomAD v4.1: 9 of 1,613,678 alleles (0.00056%); highest among the groups gnomAD compares: Non-Finnish European, 0.00068%; no homozygotes.

Submission:

Labcorp Genetics (formerly Invitae), Labcorp
Classification: Uncertain significance for Developmental and epileptic encephalopathy, 27; Intellectual developmental disorder, autosomal dominant 6, with or without seizures. Last evaluated: 2021-06-01. Review status: criteria provided, single submitter. Criteria: Invitae Variant Classification Sherloc (09022015). Collection method: clinical testing. Allele origin: germline.
Comment: In summary, the available evidence is currently insufficient to determine the role of this variant in disease. Therefore, it has been classified as a Variant of Uncertain Significance. Advanced modeling of protein sequence and biophysical properties (such as structural, functional, and spatial information, amino acid conservation, physicochemical variation, residue mobility, and thermodynamic stability) performed at Invitae indicates that this missense variant is not expected to disrupt GRIN2B protein function. This variant has not been reported in the literature in individuals with GRIN2B-related conditions. This variant is not present in population databases (ExAC no frequency). This sequence change replaces arginine with serine at codon 25 of the GRIN2B protein (p.Arg25Ser). The arginine residue is weakly conserved and there is a moderate physicochemical difference between arginine and serine.

NM_000834.5(GRIN2B):c.75A>C (p.Arg25Ser)

Gene: GRIN2B (glutamate ionotropic receptor NMDA type subunit 2B; minus strand). Cytogenetic location: 12p13.1.
Variant type: single nucleotide variant.
Coding change: c.75A>C on transcript NM_000834.5 (MANE Select); coding-DNA position 75, A replaced by C.
Protein change: p.Arg25Ser; replaces arginine 25 with serine.
Molecular consequence: missense variant.
Genome position (GRCh38, 1-based): chr12:13,866,134, T>G on the plus strand (A>C on the coding strand, the complement: GRIN2B is on the minus strand). VCF-style: chr12-13866134-T-G. GRCh37 (hg19) VCF-style: chr12-14019068-T-G.
Other names: short protein forms R25S.
Identifiers: ClinVar variation 1467790 (VCV001467790.8), dbSNP rs948741015, ClinGen allele CA233148020.